The following is an entry in ClinVar:

ClinVar aggregate classification (germline): Conflicting classifications of pathogenicity. Review status: criteria provided, conflicting classifications (1 of 4 stars). 9 submissions from 9 submitters: Uncertain significance (7); Likely benign (2). Last evaluated 2026-01-17.

Conditions:
Familial pancreatic carcinoma. Identifiers: Orphanet 1333, MedGen C2931038, MONDO:0015278, OMIM 260350.
Hereditary cancer-predisposing syndrome. Also called: Hereditary neoplastic syndrome; Neoplastic Syndromes, Hereditary; Tumor predisposition; Hereditary Cancer Syndrome. Identifiers: Orphanet 140162, MedGen C0027672, MeSH D009386, MONDO:0015356.
Hereditary breast ovarian cancer syndrome. Also called: Hereditary breast and/or ovarian cancer syndrome; BRCA1- and BRCA2-Associated Hereditary Breast and Ovarian Cancer; Hereditary breast and ovarian cancer; Breast and ovarian cancer; Hereditary breast and ovarian cancer syndrome; Hereditary breast and ovarian cancer syndrome (HBOC). Identifiers: Orphanet 145, MedGen C0677776, MeSH D061325, MONDO:0003582. Disease mechanism: loss of function.
Breast-ovarian cancer, familial, susceptibility to, 2 (BROVCA2). Also called: BRCA2 Hereditary Breast and Ovarian Cancer. Identifiers: Orphanet 145, MedGen C2675520, MONDO:0012933, OMIM 612555. Disease mechanism: loss of function.

Allele frequency attached by ClinVar (database versions not stated): gnomAD below 0.00001 and 0.00001; TOPMed below 0.00001; ExAC 0.00001.
gnomAD v4.1: 19 of 1,613,924 alleles (0.0012%); highest among the groups gnomAD compares: South Asian, 0.019%; no homozygotes.

Submissions (9):

Labcorp Genetics (formerly Invitae), Labcorp
Classification: Uncertain significance for Hereditary breast ovarian cancer syndrome. Last evaluated: 2026-01-17. Review status: criteria provided, single submitter. Criteria: Invitae Variant Classification Sherloc (09022015). Collection method: clinical testing. Allele origin: germline.
Comment: This sequence change replaces isoleucine, which is neutral and non-polar, with valine, which is neutral and non-polar, at codon 785 of the BRCA2 protein (p.Ile785Val). This variant is present in population databases (rs747748537, gnomAD 0.006%). This missense change has been observed in individual(s) with prostate cancer (PMID: 32393398). ClinVar contains an entry for this variant (Variation ID: 462264). Invitae Evidence Modeling of protein sequence and biophysical properties (such as structural, functional, and spatial information, amino acid conservation, physicochemical variation, residue mobility, and thermodynamic stability) indicates that this missense variant is not expected to disrupt BRCA2 protein function with a negative predictive value of 95%. Experimental studies have shown that this missense change does not substantially affect BRCA2 function (PMID: 32393398). In summary, the available evidence is currently insufficient to determine the role of this variant in disease. Therefore, it has been classified as a Variant of Uncertain Significance.

Women's Health and Genetics/Laboratory Corporation of America, LabCorp
Classification: Uncertain significance. Last evaluated: 2025-10-13. Review status: criteria provided, single submitter. Criteria: LabCorp Variant Classification Summary - May 2015. Collection method: clinical testing. Allele origin: germline.
Comment: Variant summary: BRCA2 c.2353A>G (p.Ile785Val) results in a conservative amino acid change in the encoded protein sequence. Algorithms developed to predict the effect of missense changes on protein structure and function all suggest that this variant is likely to be tolerated. The variant allele was found at a frequency of 8e-06 in 250824 control chromosomes. The available data on variant occurrences in the general population are insufficient to allow any conclusion about variant significance. c.2353A>G has been observed in individual(s) affected with Cancer, without strong evidence of causality (Sirisena_2020, John_2024). These report(s) do not provide unequivocal conclusions about association of the variant with Prostate Cancer. At least one publication reports experimental evidence evaluating an impact on protein function. These results showed no damaging effect of this variant. The following publications have been ascertained in the context of this evaluation (PMID: 38538877, 32393398). ClinVar contains an entry for this variant (Variation ID: 462264). Based on the evidence outlined above, the variant was classified as uncertain significance.

Ambry Genetics
Classification: Likely benign for Hereditary cancer-predisposing syndrome. Last evaluated: 2025-08-05. Review status: criteria provided, single submitter. Criteria: Ambry Variant Classification Scheme 2023. Collection method: clinical testing. Allele origin: germline.

Department of Pathology and Laboratory Medicine, Sinai Health System
Classification: Uncertain significance for Familial pancreatic carcinoma. Last evaluated: 2023-10-30. Review status: criteria provided, single submitter. Criteria: ACMG Guidelines, 2015. Collection method: clinical testing. Allele origin: germline. Affected: yes.

All of Us Research Program, National Institutes of Health
Classification: Uncertain significance for Breast-ovarian cancer, familial, susceptibility to, 2. Last evaluated: 2023-08-15. Review status: criteria provided, single submitter. Criteria: ACMG Guidelines, 2015. Collection method: clinical testing. Allele origin: germline. Inheritance: Autosomal dominant inheritance. Observed: 2 variant alleles, 2 heterozygotes.
Comment: This missense variant replaces isoleucine with valine at codon 785 of the BRCA2 protein. Computational prediction suggests that this variant may not impact protein structure and function (internally defined REVEL score threshold <= 0.5, PMID: 27666373). A functional study has reported that this variant does not impact the rescue of Brca2-deficient mouse embryonic stem cells in sensitivity assays to DNA damaging agents (PMID: 32393398). This variant has been detected in an individual affected with prostate cancer (PMID: 32393398). This variant has been identified in 3/282226 chromosomes in the general population by the Genome Aggregation Database (gnomAD). The available evidence is insufficient to determine the role of this variant in disease conclusively. Therefore, this variant is classified as a Variant of Uncertain Significance.

This study involves interpretation of variants in research participants for the purpose of population health screening. Participant phenotype was not available at the time of variant classification. Additional details can be found in publication PMID: 35346344, PMCID: PMC8962531

Color Diagnostics, LLC DBA Color Health
Classification: Uncertain significance for Hereditary cancer-predisposing syndrome. Last evaluated: 2023-06-15. Review status: criteria provided, single submitter. Criteria: ACMG Guidelines, 2015. Collection method: clinical testing. Allele origin: germline.
Comment: This missense variant replaces isoleucine with valine at codon 785 of the BRCA2 protein. Computational prediction suggests that this variant may not impact protein structure and function (internally defined REVEL score threshold <= 0.5, PMID: 27666373). A functional study has reported that this variant does not impact the rescue of Brca2-deficient mouse embryonic stem cells in sensitivity assays to DNA damaging agents (PMID: 32393398). This variant has been detected in an individual affected with prostate cancer (PMID: 32393398). This variant has been identified in 3/282226 chromosomes in the general population by the Genome Aggregation Database (gnomAD). The available evidence is insufficient to determine the role of this variant in disease conclusively. Therefore, this variant is classified as a Variant of Uncertain Significance.

University of Washington Department of Laboratory Medicine, University of Washington
Classification: Likely benign for Hereditary cancer-predisposing syndrome. Last evaluated: 2023-03-23. Review status: criteria provided, single submitter. Criteria: Dines et al. (Genet Med. 2020). Collection method: curation. Allele origin: germline.
Comment: Missense variant in a coldspot region where missense variants are very unlikely to be pathogenic (PMID:31911673).

BRCA2 exon 11 coldspot. Reclassification based on statistical prior probability.

Sema4
Classification: Uncertain significance for Hereditary cancer-predisposing syndrome. Last evaluated: 2022-01-02. Review status: criteria provided, single submitter. Criteria: Sema4 Curation Guidelines. Collection method: curation. Allele origin: germline.
Comment: The BRCA2 c.2353A>G (p.I785V) variant has been reported in heterozygosity in at least one individual with prostate cancer (PMID: 32393398). A cell survival and sensitivity assay in mouse embryonic stem cells demonstrated the normal function of the protein (PMID: 32393398). It was observed in 2/30610 chromosomes of the South Asian subpopulation in the large and broad cohorts of the Genome Aggregation Database (PMID: 32461654). The variant has been reported in ClinVar (Variation ID 462264). In silico predictions of the variant's effect on protein function are inconclusive. The evidence is insufficient to meet ACMG/AMP criteria for classifying the variant as benign or pathogenic. Thus, the clinical significance of this variant is currently uncertain.

Molecular Endocrinology Laboratory, Christian Medical College
Classification: Uncertain significance for Breast-ovarian cancer, familial, susceptibility to, 2. Review status: criteria provided, single submitter. Criteria: ACMG Guidelines, 2015. Collection method: clinical testing. Allele origin: germline. Affected: yes.

Literature cited by the submitters: PubMed 32393398 (cited by 7 submitters); PubMed 38538877 (cited by Women's Health and Genetics/Laboratory Corporation of America, LabCorp); PubMed 31911673 (cited by Department of Pathology and Laboratory Medicine, Sinai Health System).

NM_000059.4(BRCA2):c.2353A>G (p.Ile785Val)

Gene: BRCA2 (BRCA2 DNA repair associated; plus strand). Cytogenetic location: 13q13.1.
Variant type: single nucleotide variant.
Coding change: c.2353A>G on transcript NM_000059.4 (MANE Select); coding-DNA position 2353, A replaced by G.
Protein change: p.Ile785Val; replaces isoleucine 785 with valine.
Molecular consequence: missense variant.
Genome position (GRCh38, 1-based): chr13:32,336,708, A>G. VCF-style: chr13-32336708-A-G. GRCh37 (hg19) VCF-style: chr13-32910845-A-G.
Other names: short protein forms I785V.
Identifiers: ClinVar variation 462264 (VCV000462264.26), dbSNP rs747748537, ClinGen allele CA6940598.